The following is an entry in ClinVar:

NM_014140.4(SMARCAL1):c.1129G>C (p.Glu377Gln)

Gene: SMARCAL1 (SNF2 related chromatin remodeling annealing helicase 1; plus strand). Cytogenetic location: 2q35.
Variant type: single nucleotide variant.
Coding change: c.1129G>C on transcript NM_014140.4 (MANE Select); coding-DNA position 1129, G replaced by C.
Protein change: p.Glu377Gln; replaces glutamic acid 377 with glutamine.
Molecular consequence: missense variant.
Genome position (GRCh38, 1-based): chr2:216,423,665, G>C. VCF-style: chr2-216423665-G-C. GRCh37 (hg19) VCF-style: chr2-217288388-G-C.
Other names: c.1129G>C, p.Glu377Gln (NM_001127207.2); short protein forms E377Q.
Identifiers: ClinVar variation 198202 (VCV000198202.33), dbSNP rs2066518, ClinGen allele CA203306.

ClinVar aggregate classification (germline): Benign. Review status: criteria provided, multiple submitters, no conflicts (2 of 4 stars). 15 submissions from 15 submitters: Benign (11). 4 of the submissions do not count toward it. Last evaluated 2026-02-04.

Conditions:
Focal segmental glomerulosclerosis (FSGS). Also called: Glomerulosclerosis, focal; Focal sclerosis with hyalinosis. Identifiers: MedGen C0017668, MONDO:0100313, HP:0000097. Disease mechanism: loss of function.
Schimke immuno-osseous dysplasia (SIOD). Also called: Schimke Immunoosseous Dysplasia. Identifiers: Orphanet 1830, MedGen C0877024, MONDO:0009458, OMIM 242900.

Allele frequency attached by ClinVar (database versions not stated): gnomAD exomes 0.01784 and 0.03230; ESP Exome Variant Server 0.03252; gnomAD 0.03294 and 0.03532; ExAC 0.03325; TOPMed 0.03708; 1000 Genomes Project 30x 0.07011; 1000 Genomes Project 0.07288.
gnomAD v4.1: 31,975 of 1,613,744 alleles (2%); highest among the groups gnomAD compares: East Asian, 16%; 1,175 homozygotes.

Submissions (15):

Labcorp Genetics (formerly Invitae), Labcorp
Classification: Benign for Schimke immuno-osseous dysplasia. Last evaluated: 2026-02-04. Review status: criteria provided, single submitter. Criteria: Invitae Variant Classification Sherloc (09022015). Collection method: clinical testing. Allele origin: germline.

Blueprint Genetics
Classification: Benign. Last evaluated: 2024-11-26. Review status: criteria provided, single submitter. Criteria: ACMG Guidelines, 2015. Collection method: clinical testing. Allele origin: germline.

ARUP Laboratories, Molecular Genetics and Genomics, ARUP Laboratories
Classification: Benign for Schimke immuno-osseous dysplasia. Last evaluated: 2023-11-01. Review status: criteria provided, single submitter. Criteria: ARUP Molecular Germline Variant Investigation Process 2024. Collection method: clinical testing. Allele origin: germline.

Mayo Clinic Laboratories, Mayo Clinic
Classification: Benign. Last evaluated: 2023-08-15. Review status: criteria provided, single submitter. Criteria: ACMG Guidelines, 2015. Collection method: clinical testing. Allele origin: germline. Observed: 8 variant alleles.
Comment: BA1, BS2

Genome Diagnostics Laboratory, The Hospital for Sick Children
Classification: Benign for Focal segmental glomerulosclerosis. Last evaluated: 2022-09-27. Review status: criteria provided, single submitter. Criteria: ACMG Guidelines, 2015. Collection method: clinical testing. Allele origin: germline.

Genome-Nilou Lab
Classification: Benign for Schimke immuno-osseous dysplasia. Last evaluated: 2021-07-10. Review status: criteria provided, single submitter. Criteria: ACMG Guidelines, 2015. Collection method: clinical testing. Allele origin: germline. Affected: no.

GeneDx
Classification: Benign. Last evaluated: 2018-11-12. Review status: criteria provided, single submitter. Criteria: GeneDx Variant Classification Process June 2021. Collection method: clinical testing. Allele origin: germline. Affected: yes.
Comment: This variant is associated with the following publications: (PMID: 27884173, 17089404, 25748404, 20981092)

Illumina Laboratory Services, Illumina
Classification: Benign for Schimke immuno-osseous dysplasia. Last evaluated: 2018-03-06. Review status: criteria provided, single submitter. Criteria: ICSL Variant Classification Criteria 13 December 2019. Collection method: clinical testing. Allele origin: germline.
Comment: This variant was observed in the ICSL laboratory as part of a predisposition screen in an ostensibly healthy population. It had not been previously curated by ICSL or reported in the Human Gene Mutation Database (HGMD: prior to June 1st, 2018), and was therefore a candidate for classification through an automated scoring system. Utilizing variant allele frequency, disease prevalence and penetrance estimates, and inheritance mode, an automated score was calculated to assess if this variant is too frequent to cause the disease. Based on the score and internal cut-off values, a variant classified as benign is not then subjected to further curation. The score for this variant resulted in a classification of benign for this disease.

Eurofins Ntd Llc (ga)
Classification: Benign. Last evaluated: 2014-10-21. Review status: criteria provided, single submitter. Criteria: EGL Classification Definitions 2015. Collection method: clinical testing. Allele origin: germline. Observed: 1 variant allele, 1 heterozygote.

Breakthrough Genomics
Classification: Benign. Review status: criteria provided, single submitter. Criteria: ACMG Guidelines, 2015. Collection method: not provided. Allele origin: germline. Inheritance: Autosomal recessive inheritance. Affected: yes.

PreventionGenetics, part of Exact Sciences
Classification: Benign. Review status: criteria provided, single submitter. Criteria: ACMG Guidelines, 2015. Collection method: clinical testing. Allele origin: germline.

Natera, Inc.
Classification: Benign for Schimke immuno-osseous dysplasia. Last evaluated: 2020-09-16. Review status: no assertion criteria provided. Collection method: clinical testing. Allele origin: germline. Not counted in ClinVar's aggregate classification.

Genome Diagnostics Laboratory, University Medical Center Utrecht
Classification: Benign. Review status: no assertion criteria provided. Collection method: clinical testing. Allele origin: germline. Affected: yes. Study: VKGL Data-share Consensus. Not counted in ClinVar's aggregate classification.

Joint Genome Diagnostic Labs from Nijmegen and Maastricht, Radboudumc and MUMC+
Classification: Benign. Review status: no assertion criteria provided. Collection method: clinical testing. Allele origin: germline. Affected: yes. Study: VKGL Data-share Consensus. Not counted in ClinVar's aggregate classification.

Laboratory of Diagnostic Genome Analysis, Leiden University Medical Center (LUMC)
Classification: Likely benign. Review status: no assertion criteria provided. Collection method: clinical testing. Allele origin: germline. Affected: yes. Study: VKGL Data-share Consensus. Not counted in ClinVar's aggregate classification.

Literature cited by the submitters: PubMed 17089404 (cited by Mayo Clinic Laboratories, Mayo Clinic); PubMed 20981092 (cited by Mayo Clinic Laboratories, Mayo Clinic); PubMed 25748404 (cited by Mayo Clinic Laboratories, Mayo Clinic); PubMed 27884173 (cited by Mayo Clinic Laboratories, Mayo Clinic).